The following is an entry in ClinVar:

NM_018896.5(CACNA1G):c.3800T>A (p.Leu1267His)

Gene: CACNA1G (calcium voltage-gated channel subunit alpha1 G; plus strand). Cytogenetic location: 17q21.33.
Variant type: single nucleotide variant.
Coding change: c.3800T>A on transcript NM_018896.5 (MANE Select); coding-DNA position 3800, T replaced by A.
Protein change: p.Leu1267His; replaces leucine 1267 with histidine.
Molecular consequence: missense variant. On other transcripts: non-coding transcript variant (5).
Genome position (GRCh38, 1-based): chr17:50,601,059, T>A. VCF-style: chr17-50601059-T-A. GRCh37 (hg19) VCF-style: chr17-48678420-T-A.
Other names: c.3800T>A, p.Leu1267His (NM_001256324.2, NM_001256325.2, NM_001256326.2 and 16 more transcripts); c.3731T>A, p.Leu1244His (NM_001256332.2, NM_198376.3, NM_198379.3 and 5 more transcripts); short protein forms L1244H, L1267H.
Identifiers: ClinVar variation 2574365 (VCV002574365.2), dbSNP rs2545459236, ClinGen allele CA400254682.

ClinVar aggregate classification (germline): Uncertain significance (1 of 4 stars; one submission).

Allele frequency attached by ClinVar (database versions not stated): gnomAD exomes below 0.00001.
gnomAD v4.1: 1 of 1,613,772 alleles (0.000062%); highest among the groups gnomAD compares: Non-Finnish European, 0.000085%; no homozygotes.

Submission:

GeneDx
Classification: Uncertain significance. Last evaluated: 2025-06-10. Review status: criteria provided, single submitter. Criteria: GeneDx Variant Classification Process June 2021. Collection method: clinical testing. Allele origin: germline. Affected: yes.
Comment: Not observed at significant frequency in large population cohorts (gnomAD); In silico analysis supports that this missense variant has a deleterious effect on protein structure/function; Has not been previously published as pathogenic or benign to our knowledge